The following is an entry in ClinVar:

NM_207111.4(RNF216):c.1779C>G (p.Phe593Leu)

Gene: RNF216 (ring finger protein 216; minus strand). Cytogenetic location: 7p22.1.
Variant type: single nucleotide variant.
Coding change: c.1779C>G on transcript NM_207111.4 (MANE Select); coding-DNA position 1779, C replaced by G.
Protein change: p.Phe593Leu; replaces phenylalanine 593 with leucine.
Molecular consequence: missense variant.
Genome position (GRCh38, 1-based): chr7:5,715,107, G>C on the plus strand (C>G on the coding strand, the complement: RNF216 is on the minus strand). VCF-style: chr7-5715107-G-C. GRCh37 (hg19) VCF-style: chr7-5754738-G-C.
Other names: c.1608C>G, p.Phe536Leu (NM_001377156.1, NM_207116.3); short protein forms F536L, F593L.
Identifiers: ClinVar variation 2501625 (VCV002501625.2), dbSNP rs2534085453, ClinGen allele CA366722776.

ClinVar aggregate classification (germline): Uncertain significance. Review status: criteria provided, multiple submitters, no conflicts (2 of 4 stars). 2 submissions from 2 submitters: Uncertain significance (2). Last evaluated 2023-10-30.

Conditions:
Inborn genetic diseases. Identifiers: MedGen C0950123, MeSH D030342.

Submissions (2):

Ambry Genetics
Classification: Uncertain significance for Inborn genetic diseases. Last evaluated: 2023-10-30. Review status: criteria provided, single submitter. Criteria: Ambry Variant Classification Scheme 2023. Collection method: clinical testing. Allele origin: germline.

GeneDx
Classification: Uncertain significance. Last evaluated: 2022-11-05. Review status: criteria provided, single submitter. Criteria: GeneDx Variant Classification Process June 2021. Collection method: clinical testing. Allele origin: germline. Affected: yes.
Comment: Not observed at significant frequency in large population cohorts (gnomAD); In silico analysis supports that this missense variant has a deleterious effect on protein structure/function; Has not been previously published as pathogenic or benign to our knowledge